The following is an entry in ClinVar:

ClinVar aggregate classification (germline): Uncertain significance (1 of 4 stars; one submission).

Submission:

Labcorp Genetics (formerly Invitae), Labcorp
Classification: Uncertain significance. Last evaluated: 2022-08-10. Review status: criteria provided, single submitter. Criteria: Invitae Variant Classification Sherloc (09022015). Collection method: clinical testing. Allele origin: germline.
Comment: In summary, the available evidence is currently insufficient to determine the role of this variant in disease. Therefore, it has been classified as a Variant of Uncertain Significance. Algorithms developed to predict the effect of missense changes on protein structure and function are either unavailable or do not agree on the potential impact of this missense change (SIFT: "Tolerated"; PolyPhen-2: "Possibly Damaging"; Align-GVGD: "Class C0"). This variant has not been reported in the literature in individuals affected with PLVAP-related conditions. This variant is not present in population databases (gnomAD no frequency). This sequence change replaces glutamine, which is neutral and polar, with histidine, which is basic and polar, at codon 411 of the PLVAP protein (p.Gln411His).

NM_031310.3(PLVAP):c.1233G>C (p.Gln411His)

Gene: PLVAP (plasmalemma vesicle associated protein; minus strand). Cytogenetic location: 19p13.11.
Variant type: single nucleotide variant.
Coding change: c.1233G>C on transcript NM_031310.3 (MANE Select); coding-DNA position 1233, G replaced by C.
Protein change: p.Gln411His; replaces glutamine 411 with histidine.
Molecular consequence: missense variant.
Genome position (GRCh38, 1-based): chr19:17,360,779, C>G on the plus strand (G>C on the coding strand, the complement: PLVAP is on the minus strand). VCF-style: chr19-17360779-C-G. GRCh37 (hg19) VCF-style: chr19-17471588-C-G.
Other names: short protein forms Q411H.
Identifiers: ClinVar variation 2023413 (VCV002023413.2), dbSNP rs370830558, ClinGen allele CA404669340.